The following is an entry in ClinVar:

NM_015570.4(AUTS2):c.3097C>T (p.Pro1033Ser)

Gene: AUTS2 (activator of transcription and developmental regulator AUTS2; plus strand). Cytogenetic location: 7q11.22.
Variant type: single nucleotide variant.
Coding change: c.3097C>T on transcript NM_015570.4 (MANE Select); coding-DNA position 3097, C replaced by T.
Protein change: p.Pro1033Ser; replaces proline 1033 with serine.
Molecular consequence: missense variant.
Genome position (GRCh38, 1-based): chr7:70,790,313, C>T. VCF-style: chr7-70790313-C-T. GRCh37 (hg19) VCF-style: chr7-70255299-C-T.
Other names: c.3025C>T, p.Pro1009Ser (NM_001127231.3); short protein forms P1009S, P1033S.
Identifiers: ClinVar variation 3235732 (VCV003235732.1), dbSNP rs756973112, ClinGen allele CA4281267.

ClinVar aggregate classification (germline): Uncertain significance (1 of 4 stars; one submission).

Submission:

Greenwood Genetic Center Diagnostic Laboratories, Greenwood Genetic Center
Classification: Uncertain significance. Last evaluated: 2024-02-09. Review status: criteria provided, single submitter. Criteria: ACMG Guidelines, 2015. Collection method: clinical testing. Allele origin: germline. Affected: yes.
Comment: PM2, BP4